The following is an entry in ClinVar:

NM_182643.3(DLC1):c.1565G>A (p.Arg522Gln)

Gene: DLC1 (DLC1 Rho GTPase activating protein; minus strand). Cytogenetic location: 8p22.
Variant type: single nucleotide variant.
Coding change: c.1565G>A on transcript NM_182643.3 (MANE Select); coding-DNA position 1565, G replaced by A.
Protein change: p.Arg522Gln; replaces arginine 522 with glutamine.
Molecular consequence: missense variant. On other transcripts: intron variant (2).
Genome position (GRCh38, 1-based): chr8:13,102,791, C>T on the plus strand (G>A on the coding strand, the complement: DLC1 is on the minus strand). VCF-style: chr8-13102791-C-T. GRCh37 (hg19) VCF-style: chr8-12960300-C-T.
Other names: c.356G>A, p.Arg119Gln (NM_001316668.2, NM_001413129.1); c.1565G>A, p.Arg522Gln (NM_001348081.2, NM_001413124.1); c.32G>A, p.Arg11Gln (NM_001348082.2, NM_001348083.1, NM_001348084.2 and 6 more transcripts); c.347G>A, p.Arg116Gln (NM_001413130.1); c.491G>A, p.Arg164Gln (NM_001413132.1); c.254G>A, p.Arg85Gln (NM_001413135.1, NM_001413136.1, NM_001413139.1 and 1 more transcripts); c.389G>A, p.Arg130Gln (NM_001413140.1); c.7-2021G>A (NM_001413131.1, NM_001413137.1); short protein forms R119Q, R130Q, R116Q, R85Q, R522Q, R11Q, R164Q.
Identifiers: ClinVar variation 2868729 (VCV002868729.3), dbSNP rs773232276, ClinGen allele CA4638898.

ClinVar aggregate classification (germline): Uncertain significance (1 of 4 stars; one submission).

Allele frequency attached by ClinVar (database versions not stated): gnomAD 0.00001; TOPMed 0.00001; ExAC 0.00002.
gnomAD v4.1: 12 of 1,613,628 alleles (0.00074%); highest among the groups gnomAD compares: East Asian, 0.0022%; no homozygotes.

Submission:

Labcorp Genetics (formerly Invitae), Labcorp
Classification: Uncertain significance. Last evaluated: 2022-12-07. Review status: criteria provided, single submitter. Criteria: Invitae Variant Classification Sherloc (09022015). Collection method: clinical testing. Allele origin: germline.
Comment: In summary, the available evidence is currently insufficient to determine the role of this variant in disease. Therefore, it has been classified as a Variant of Uncertain Significance. Algorithms developed to predict the effect of missense changes on protein structure and function are either unavailable or do not agree on the potential impact of this missense change (SIFT: "Deleterious"; PolyPhen-2: "Benign"; Align-GVGD: "Class C0"). This variant has not been reported in the literature in individuals affected with DLC1-related conditions. This variant is present in population databases (rs773232276, gnomAD 0.005%). This sequence change replaces arginine, which is basic and polar, with glutamine, which is neutral and polar, at codon 522 of the DLC1 protein (p.Arg522Gln).